The following is an entry in ClinVar:

ClinVar aggregate classification (germline): Uncertain significance (1 of 4 stars; one submission).

Allele frequency attached by ClinVar (database versions not stated): ExAC 0.00001; gnomAD 0.00001; gnomAD exomes 0.00001.
gnomAD v4.1: 8 of 1,614,106 alleles (0.0005%); highest among the groups gnomAD compares: South Asian, 0.0088%; no homozygotes.

Submission:

Labcorp Genetics (formerly Invitae), Labcorp
Classification: Uncertain significance. Last evaluated: 2024-04-20. Review status: criteria provided, single submitter. Criteria: Invitae Variant Classification Sherloc (09022015). Collection method: clinical testing. Allele origin: germline.
Comment: This sequence change replaces proline, which is neutral and non-polar, with glutamine, which is neutral and polar, at codon 73 of the COL9A2 protein (p.Pro73Gln). This variant is present in population databases (rs747646622, gnomAD 0.006%). This variant has not been reported in the literature in individuals affected with COL9A2-related conditions. ClinVar contains an entry for this variant (Variation ID: 2029998). Advanced modeling of protein sequence and biophysical properties (such as structural, functional, and spatial information, amino acid conservation, physicochemical variation, residue mobility, and thermodynamic stability) performed at Invitae indicates that this missense variant is not expected to disrupt COL9A2 protein function with a negative predictive value of 95%. In summary, the available evidence is currently insufficient to determine the role of this variant in disease. Therefore, it has been classified as a Variant of Uncertain Significance.

NM_001852.4(COL9A2):c.218C>A (p.Pro73Gln)

Gene: COL9A2 (collagen type IX alpha 2 chain; minus strand). Cytogenetic location: 1p34.2.
Variant type: single nucleotide variant.
Coding change: c.218C>A on transcript NM_001852.4 (MANE Select); coding-DNA position 218, C replaced by A.
Protein change: p.Pro73Gln; replaces proline 73 with glutamine.
Molecular consequence: missense variant.
Genome position (GRCh38, 1-based): chr1:40,314,236, G>T on the plus strand (C>A on the coding strand, the complement: COL9A2 is on the minus strand). VCF-style: chr1-40314236-G-T. GRCh37 (hg19) VCF-style: chr1-40779908-G-T.
Other names: short protein forms P73Q.
Identifiers: ClinVar variation 2029998 (VCV002029998.4), dbSNP rs747646622, ClinGen allele CA792070.